The following is an entry in ClinVar:

NM_138694.4(PKHD1):c.6565G>A (p.Val2189Ile)

Gene: PKHD1 (PKHD1 ciliary IPT domain containing fibrocystin/polyductin; minus strand). Cytogenetic location: 6p12.2.
Variant type: single nucleotide variant.
Coding change: c.6565G>A on transcript NM_138694.4 (MANE Select); coding-DNA position 6565, G replaced by A.
Protein change: p.Val2189Ile; replaces valine 2189 with isoleucine.
Molecular consequence: missense variant.
Genome position (GRCh38, 1-based): chr6:51,909,400, C>T on the plus strand (G>A on the coding strand, the complement: PKHD1 is on the minus strand). VCF-style: chr6-51909400-C-T. GRCh37 (hg19) VCF-style: chr6-51774198-C-T.
Other names: c.6565G>A, p.Val2189Ile (NM_170724.3); c.6565G>A (NM_138694.3); short protein forms V2189I.
Identifiers: ClinVar variation 501080 (VCV000501080.10), dbSNP rs142552070, ClinGen allele CA3852229.

ClinVar aggregate classification (germline): Uncertain significance. Review status: criteria provided, multiple submitters, no conflicts (2 of 4 stars). 5 submissions from 5 submitters: Uncertain significance (5). Last evaluated 2025-06-12.

Conditions:
PKHD1-related disorder. Also called: PKHD1-related condition.
Polycystic kidney disease 4 (PKD4). Also called: POLYCYSTIC KIDNEY AND HEPATIC DISEASE 1; POLYCYSTIC KIDNEY DISEASE, INFANTILE, TYPE I; PKD3; POLYCYSTIC KIDNEY DISEASE 4 WITH OR WITHOUT POLYCYSTIC LIVER DISEASE; Autosomal Recessive Polycystic Kidney Disease – PKHD1. Identifiers: MedGen C4540575, MONDO:0033004, OMIM 263200.
Autosomal recessive polycystic kidney disease (ARPKD). Also called: AR polycystic kidney disease. Identifiers: Orphanet 731, Orphanet 8378, MedGen C0085548, MeSH D017044, MONDO:0009889.

Allele frequency attached by ClinVar (database versions not stated): gnomAD 0.00005; ExAC 0.00006; TOPMed 0.00006; ESP Exome Variant Server 0.00015.
gnomAD v4.1: 63 of 1,613,248 alleles (0.0039%); highest among the groups gnomAD compares: South Asian, 0.019%; no homozygotes.

Submissions (5):

Labcorp Genetics (formerly Invitae), Labcorp
Classification: Uncertain significance for Autosomal recessive polycystic kidney disease. Last evaluated: 2025-06-12. Review status: criteria provided, single submitter. Criteria: Invitae Variant Classification Sherloc (09022015). Collection method: clinical testing. Allele origin: germline.
Comment: This sequence change replaces valine, which is neutral and non-polar, with isoleucine, which is neutral and non-polar, at codon 2189 of the PKHD1 protein (p.Val2189Ile). This variant is present in population databases (rs142552070, gnomAD 0.03%). This variant has not been reported in the literature in individuals affected with PKHD1-related conditions. ClinVar contains an entry for this variant (Variation ID: 501080). Invitae Evidence Modeling of protein sequence and biophysical properties (such as structural, functional, and spatial information, amino acid conservation, physicochemical variation, residue mobility, and thermodynamic stability) indicates that this missense variant is not expected to disrupt PKHD1 protein function with a negative predictive value of 95%. In summary, the available evidence is currently insufficient to determine the role of this variant in disease. Therefore, it has been classified as a Variant of Uncertain Significance.

PreventionGenetics, part of Exact Sciences
Classification: Uncertain significance for PKHD1-related condition. Last evaluated: 2025-02-27. Review status: criteria provided, single submitter. Criteria: ACMG Guidelines, 2015. Collection method: clinical testing. Allele origin: germline.
Comment: The PKHD1 c.6565G>A variant is predicted to result in the amino acid substitution p.Val2189Ile. To our knowledge, this variant has not been reported in the literature. This variant is reported in 0.029% of alleles in individuals of South Asian descent in gnomAD. At this time, the clinical significance of this variant is uncertain due to the absence of conclusive functional and genetic evidence.

GeneDx
Classification: Uncertain significance. Last evaluated: 2022-10-07. Review status: criteria provided, single submitter. Criteria: GeneDx Variant Classification Process June 2021. Collection method: clinical testing. Allele origin: germline. Affected: yes.
Comment: In silico analysis supports that this missense variant does not alter protein structure/function; Has not been previously published as pathogenic or benign to our knowledge

Fulgent Genetics
Classification: Uncertain significance for Polycystic kidney disease 4. Last evaluated: 2022-02-02. Review status: criteria provided, single submitter. Criteria: ACMG Guidelines, 2015. Collection method: clinical testing. Allele origin: unknown.

Eurofins Ntd Llc (ga)
Classification: Uncertain significance. Last evaluated: 2017-03-28. Review status: criteria provided, single submitter. Criteria: EGL Classification Definitions 2015. Collection method: clinical testing. Allele origin: germline. Observed: 1 variant allele, 1 heterozygote.